The following is an entry in ClinVar:

ClinVar aggregate classification (germline): Uncertain significance. Review status: criteria provided, multiple submitters, no conflicts (2 of 4 stars). 2 submissions from 2 submitters: Uncertain significance (2). Last evaluated 2024-12-04.

Conditions:
COL12A1-related disorder. Also called: COL12A1-related condition.
Ullrich congenital muscular dystrophy 2 (UCMD2). Identifiers: Orphanet 75840, MedGen C4225314, MONDO:0014654, OMIM 616470.
Bethlem myopathy 2 (BTHLM2). Identifiers: Orphanet 536516, Orphanet 610, MedGen C4225313, MONDO:0034022, OMIM 616471.

Allele frequency attached by ClinVar (database versions not stated): gnomAD below 0.00001 and 0.00001.
gnomAD v4.1: 4 of 1,558,754 alleles (0.00026%); highest among the groups gnomAD compares: South Asian, 0.0012%; no homozygotes.

Submissions (2):

PreventionGenetics, part of Exact Sciences
Classification: Uncertain significance for COL12A1-related condition. Last evaluated: 2024-12-04. Review status: criteria provided, single submitter. Criteria: ACMG Guidelines, 2015. Collection method: clinical testing. Allele origin: germline.
Comment: The COL12A1 c.7883G>C variant is predicted to result in the amino acid substitution p.Gly2628Ala. To our knowledge, this variant has not been reported in the literature or in a large population database (gnomAD), indicating this variant is rare. At this time, the clinical significance of this variant is uncertain due to the absence of conclusive functional and genetic evidence.

Labcorp Genetics (formerly Invitae), Labcorp
Classification: Uncertain significance for Bethlem myopathy 2; Ullrich congenital muscular dystrophy 2. Last evaluated: 2024-10-18. Review status: criteria provided, single submitter. Criteria: Invitae Variant Classification Sherloc (09022015). Collection method: clinical testing. Allele origin: germline.
Comment: This sequence change replaces glycine, which is neutral and non-polar, with alanine, which is neutral and non-polar, at codon 2628 of the COL12A1 protein (p.Gly2628Ala). This variant is not present in population databases (gnomAD no frequency). This variant has not been reported in the literature in individuals affected with COL12A1-related conditions. ClinVar contains an entry for this variant (Variation ID: 661886). Invitae Evidence Modeling of protein sequence and biophysical properties (such as structural, functional, and spatial information, amino acid conservation, physicochemical variation, residue mobility, and thermodynamic stability) has been performed for this missense variant. However, the output from this modeling did not meet the statistical confidence thresholds required to predict the impact of this variant on COL12A1 protein function. In summary, the available evidence is currently insufficient to determine the role of this variant in disease. Therefore, it has been classified as a Variant of Uncertain Significance.

NM_004370.6(COL12A1):c.7883G>C (p.Gly2628Ala)

Gene: COL12A1 (collagen type XII alpha 1 chain; minus strand). Cytogenetic location: 6q13.
Variant type: single nucleotide variant.
Coding change: c.7883G>C on transcript NM_004370.6 (MANE Select); coding-DNA position 7883, G replaced by C.
Protein change: p.Gly2628Ala; replaces glycine 2628 with alanine.
Molecular consequence: missense variant.
Genome position (GRCh38, 1-based): chr6:75,113,271, C>G on the plus strand (G>C on the coding strand, the complement: COL12A1 is on the minus strand). VCF-style: chr6-75113271-C-G. GRCh37 (hg19) VCF-style: chr6-75822987-C-G.
Other names: c.4391G>C, p.Gly1464Ala (NM_080645.3); short protein forms G1464A, G2628A.
Identifiers: ClinVar variation 661886 (VCV000661886.10), dbSNP rs1582069073, ClinGen allele CA364743738.
Genomic context (GRCh38, chr6:75,113,271, plus strand): 5'-AAACTTCCATAAAATAATGTCTTTACTTCTTCTGTGTCAAATGTAACAGTTTGCACCTCG[C>G]CTCTTGTATCCTTGTTAAAGAATGATAACGTCTTGCTAGAAGCTGTAATCAACATAAAAG-3'
Protein context (NP_004361.3, residues 2618-2638): TLSFFNKDTR[Gly2628Ala]EVQTVTFDTE